The following is an entry in ClinVar:

ClinVar aggregate classification (germline): Pathogenic (1 of 4 stars; one submission).

Conditions:
Neurodevelopmental disorder. Identifiers: MedGen C1535926, MeSH D065886, MONDO:0700092.

Submission:

Victorian Clinical Genetics Services, Murdoch Childrens Research Institute
Classification: Pathogenic for Neurodevelopmental disorder. Last evaluated: 2024-10-11. Review status: criteria provided, single submitter. Criteria: ACMG Guidelines, 2015. Collection method: clinical testing. Allele origin: germline. Inheritance: Autosomal dominant inheritance. Affected: yes.
Comment: Based on the classification scheme VCGS_Germline_v1.1.1, this variant is classified as Pathogenic. Following criteria are met: 0102 - Loss-of-function is a known mechanism of disease for this gene. (N) 0107 - This gene is known to be associated with autosomal dominant disease. (N) 0201 - Variant is predicted to cause nonsense-mediated decay (NMD) and loss of protein (exon 1 of 6). (P) 0251 - Variant is heterozygous. (N) 0301 - Variant is absent from gnomAD. (P) 0702 - Comparable variants have strong previous evidence for pathogenicity. Other variants predicted to cause NMD have been reported in ClinVar as pathogenic in individuals with neurodevelopmental disorders. (P) 0807 - Variant has not previously been reported in a clinical context. (N) 0905 - No segregation evidence has been identified for this variant. (N) 1007 - No published functional evidence has been identified for this variant. (P) Legend: (P) - Pathogenic, (N) - Neutral, (B) - Benign

NM_006593.4(TBR1):c.381del (p.Gly128fs)

Gene: TBR1 (T-box brain transcription factor 1; plus strand). Cytogenetic location: 2q24.2.
Variant type: Deletion.
Coding change: c.381del on transcript NM_006593.4 (MANE Select); coding-DNA position 381, one base deleted (C; older notation c.381delC).
Protein change: p.Gly128fs; shifts the reading frame from glycine 128.
Molecular consequence: frameshift variant.
Genome position (GRCh38, 1-based): chr2:161,416,791, C deleted; the last of 4 consecutive C bases (chr2:161,416,788-161,416,791); deleting any one gives the same sequence. VCF-style (leftmost placement, unchanged base first): chr2-161416787-AC-A. GRCh37 (hg19) VCF-style: chr2-162273298-AC-A.
Other names: short protein forms G128fs.
Identifiers: ClinVar variation 1698967 (VCV001698967.4), dbSNP rs2105278359, ClinGen allele CA923726102.